The following is an entry in ClinVar:

NM_001136191.3(KANK2):c.121C>T (p.Arg41Cys)

Gene: KANK2 (KN motif and ankyrin repeat domains 2; minus strand). Cytogenetic location: 19p13.2.
Variant type: single nucleotide variant.
Coding change: c.121C>T on transcript NM_001136191.3 (MANE Select); coding-DNA position 121, C replaced by T.
Protein change: p.Arg41Cys; replaces arginine 41 with cysteine.
Molecular consequence: missense variant.
Genome position (GRCh38, 1-based): chr19:11,193,959, G>A on the plus strand (C>T on the coding strand, the complement: KANK2 is on the minus strand). VCF-style: chr19-11193959-G-A. GRCh37 (hg19) VCF-style: chr19-11304635-G-A.
Other names: c.121C>T, p.Arg41Cys (NM_001329451.2, NM_001379548.1, NM_001379549.1 and 15 more transcripts); c.121C>T (NM_015493.6); short protein forms R41C.
Identifiers: ClinVar variation 2897284 (VCV002897284.4), dbSNP rs150942627, ClinGen allele CA9206154.

ClinVar aggregate classification (germline): Uncertain significance. Review status: criteria provided, multiple submitters, no conflicts (2 of 4 stars). 2 submissions from 2 submitters: Uncertain significance (2). Last evaluated 2025-06-18.

Allele frequency attached by ClinVar (database versions not stated): gnomAD 0.00001; gnomAD exomes 0.00001; TOPMed 0.00001; ExAC 0.00004; ESP Exome Variant Server 0.00008; 1000 Genomes Project 30x 0.00016; 1000 Genomes Project 0.00020.

Submissions (2):

Ambry Genetics
Classification: Uncertain significance. Last evaluated: 2025-06-18. Review status: criteria provided, single submitter. Criteria: Ambry Variant Classification Scheme 2023. Collection method: clinical testing. Allele origin: germline.

Labcorp Genetics (formerly Invitae), Labcorp
Classification: Uncertain significance. Last evaluated: 2023-01-15. Review status: criteria provided, single submitter. Criteria: Invitae Variant Classification Sherloc (09022015). Collection method: clinical testing. Allele origin: germline.
Comment: This sequence change replaces arginine, which is basic and polar, with cysteine, which is neutral and slightly polar, at codon 41 of the KANK2 protein (p.Arg41Cys). In summary, the available evidence is currently insufficient to determine the role of this variant in disease. Therefore, it has been classified as a Variant of Uncertain Significance. Algorithms developed to predict the effect of missense changes on protein structure and function (SIFT, PolyPhen-2, Align-GVGD) all suggest that this variant is likely to be disruptive. This variant has not been reported in the literature in individuals affected with KANK2-related conditions. This variant is present in population databases (rs150942627, gnomAD 0.02%).